The following is an entry in ClinVar:

NC_000023.10:g.(?_41495811)_(41782241_?)dup

Genes: CASK (calcium/calmodulin dependent serine protein kinase; minus strand), GPR82 (G protein-coupled receptor 82; plus strand), GPR34 (G protein-coupled receptor 34; plus strand). Cytogenetic location: Xp11.4.
Variant type: Duplication.
Identifiers: ClinVar variation 3245339 (VCV003245339.1).

ClinVar aggregate classification (germline): Uncertain significance (1 of 4 stars; one submission).

Conditions:
Intellectual disability, CASK-related, X-linked. Identifiers: MedGen CN043158.

Submission:

Labcorp Genetics (formerly Invitae), Labcorp
Classification: Uncertain significance for Intellectual disability, CASK-related, X-linked. Last evaluated: 2023-02-21. Review status: criteria provided, single submitter. Criteria: Invitae Variant Classification Sherloc (09022015). Collection method: clinical testing. Allele origin: unknown.
Comment: This variant has not been reported in the literature in individuals affected with CASK-related conditions. In summary, the available evidence is currently insufficient to determine the role of this variant in disease. Therefore, it has been classified as a Variant of Uncertain Significance. This variant results in a copy number gain of the genomic region encompassing exon(s) 1-9 of the CASK gene. This region includes the initiator codon of the gene. This copy number gain extends beyond the assayed region for this gene and therefore may encompass additional genes. As the precise location of this event is unknown, it may be in tandem or it may be located elsewhere in the genome.